The following is an entry in ClinVar:

NM_000234.3(LIG1):c.573C>T (p.Ser191=)

Gene: LIG1 (DNA ligase 1; minus strand). Cytogenetic location: 19q13.33.
Variant type: single nucleotide variant.
Coding change: c.573C>T on transcript NM_000234.3 (MANE Select); coding-DNA position 573, C replaced by T.
Protein change: p.Ser191=; no amino-acid change (serine 191 retained).
Molecular consequence: synonymous variant. On other transcripts: non-coding transcript variant (6), intron variant (1).
Genome position (GRCh38, 1-based): chr19:48,151,233, G>A on the plus strand (C>T on the coding strand, the complement: LIG1 is on the minus strand). VCF-style: chr19-48151233-G-A. GRCh37 (hg19) VCF-style: chr19-48654490-G-A.
Other names: c.480C>T, p.Ser160= (NM_001289063.2); c.570C>T, p.Ser190= (NM_001320970.2); c.483C>T, p.Ser161= (NM_001320971.2); c.371-1023C>T (NM_001289064.2).
Identifiers: ClinVar variation 2070000 (VCV002070000.4), dbSNP rs2514250274, ClinGen allele CA508035846.
Genomic context (GRCh38, chr19:48,151,233, plus strand): 5'-GACTTCTGACCCCAAAATCAGGAGGTGGGGCAGGGCGGAGGAGAGGACCAGAAACTCACT[G>A]GAGGTCTTTAGGGGCTTGGGAGGCGTGGTGGGCTGGTCCCCGTCTTCTCCTTCCTTCTCT-3'
Protein context (NP_000225.1, residues 181-201): PTTPPKPLKT[Ser191=]KAETPTESVS

ClinVar aggregate classification (germline): Uncertain significance (1 of 4 stars; one submission).

Allele frequency attached by ClinVar (database versions not stated): gnomAD exomes below 0.00001.
gnomAD v4.1: 1 of 1,607,032 alleles (0.000062%); highest among the groups gnomAD compares: Non-Finnish European, 0.000085%; no homozygotes.

Submission:

Labcorp Genetics (formerly Invitae), Labcorp
Classification: Uncertain significance. Last evaluated: 2022-01-02. Review status: criteria provided, single submitter. Criteria: Invitae Variant Classification Sherloc (09022015). Collection method: clinical testing. Allele origin: germline.
Comment: This sequence change affects codon 191 of the LIG1 mRNA. It is a 'silent' change, meaning that it does not change the encoded amino acid sequence of the LIG1 protein. It affects a nucleotide within the consensus splice site. This variant is not present in population databases (gnomAD no frequency). This variant has not been reported in the literature in individuals affected with LIG1-related conditions. Algorithms developed to predict the effect of sequence changes on RNA splicing suggest that this variant is not likely to affect RNA splicing. In summary, the available evidence is currently insufficient to determine the role of this variant in disease. Therefore, it has been classified as a Variant of Uncertain Significance.